The following is an entry in ClinVar:

NM_001066.3(TNFRSF1B):c.587T>G (p.Met196Arg)

Gene: TNFRSF1B (TNF receptor superfamily member 1B; plus strand). Cytogenetic location: 1p36.22.
Variant type: single nucleotide variant.
Coding change: c.587T>G on transcript NM_001066.3 (MANE Select); coding-DNA position 587, T replaced by G.
Protein change: p.Met196Arg; replaces methionine 196 with arginine.
Molecular consequence: missense variant.
Genome position (GRCh38, 1-based): chr1:12,192,898, T>G. VCF-style: chr1-12192898-T-G. GRCh37 (hg19) VCF-style: chr1-12252955-T-G.
Other names: short protein forms M196R.
Identifiers: ClinVar variation 1048802 (VCV001048802.4), dbSNP rs1061622, ClinGen allele CA600830.

ClinVar aggregate classification (germline): Uncertain significance. Review status: no assertion criteria provided (0 of 4 stars). 3 submissions from 1 submitter: Uncertain significance (3). Last evaluated 2023-07-01.

Conditions:
Susceptibility to severe coronavirus disease (COVID-19) due to high plasma levels of TNF, TNFR, and/or TNFR2.
Susceptibility to severe coronavirus disease (COVID-19). Also called: Susceptibility to severe coronavirus disease COVID-19.
Associated with severe COVID-19 disease.

Allele frequency attached by ClinVar (database versions not stated): gnomAD exomes 0.23175 and 0.21629; TOPMed 0.20845; gnomAD 0.21666 and 0.21625; ExAC 0.22487; ESP Exome Variant Server 0.23051; 1000 Genomes Project 30x 0.19066; 1000 Genomes Project 0.19469.

Submissions (3):

Pneumogenomics Laboratory, Instituto Nacional de Enfermedades Respiratorias Ismael Cosio Villegas
Classification: Uncertain significance for Associated with severe COVID-19 disease. Last evaluated: 2023-07-01. Review status: no assertion criteria provided. Collection method: research. Allele origin: germline. Affected: yes.

Pneumogenomics Laboratory, Instituto Nacional de Enfermedades Respiratorias Ismael Cosio Villegas
Classification: Uncertain significance for Susceptibility to severe coronavirus disease (COVID-19) due to high plasma levels of TNF, TNFR, and/or TNFR2. Last evaluated: 2021-08-07. Review status: no assertion criteria provided. Collection method: research. Allele origin: germline. Affected: yes.
Comment: Differences in plasma levels of TNFR1 and TNFR2 according to genotypes

Pneumogenomics Laboratory, Instituto Nacional de Enfermedades Respiratorias Ismael Cosio Villegas
Classification: Uncertain significance for Susceptibility to severe coronavirus disease (COVID-19). Last evaluated: 2021-02-09. Review status: no assertion criteria provided. Collection method: research. Allele origin: germline. Affected: yes.